The following is an entry in ClinVar:

NM_000494.4(COL17A1):c.4000A>G (p.Arg1334Gly)

Gene: COL17A1 (collagen type XVII alpha 1 chain; minus strand). Cytogenetic location: 10q25.1.
Variant type: single nucleotide variant.
Coding change: c.4000A>G on transcript NM_000494.4 (MANE Select); coding-DNA position 4000, A replaced by G.
Protein change: p.Arg1334Gly; replaces arginine 1334 with glycine.
Molecular consequence: missense variant.
Genome position (GRCh38, 1-based): chr10:104,034,101, T>C on the plus strand (A>G on the coding strand, the complement: COL17A1 is on the minus strand). VCF-style: chr10-104034101-T-C. GRCh37 (hg19) VCF-style: chr10-105793859-T-C.
Other names: short protein forms R1334G.
Identifiers: ClinVar variation 1940756 (VCV001940756.5), dbSNP rs752126233, ClinGen allele CA5677744.

ClinVar aggregate classification (germline): Uncertain significance (1 of 4 stars; one submission).

Allele frequency attached by ClinVar (database versions not stated): TOPMed below 0.00001; gnomAD 0.00001; ExAC 0.00002.
gnomAD v4.1: 5 of 1,613,982 alleles (0.00031%); highest among the groups gnomAD compares: Non-Finnish European, 0.00025%; 1 homozygote.

Submission:

Labcorp Genetics (formerly Invitae), Labcorp
Classification: Uncertain significance. Last evaluated: 2023-05-23. Review status: criteria provided, single submitter. Criteria: Invitae Variant Classification Sherloc (09022015). Collection method: clinical testing. Allele origin: germline.
Comment: Algorithms developed to predict the effect of missense changes on protein structure and function output the following: SIFT: "Not Available"; PolyPhen-2: "Not Available"; Align-GVGD: "Not Available". The glycine amino acid residue is found in multiple mammalian species, which suggests that this missense change does not adversely affect protein function. In summary, the available evidence is currently insufficient to determine the role of this variant in disease. Therefore, it has been classified as a Variant of Uncertain Significance. ClinVar contains an entry for this variant (Variation ID: 1940756). This variant has not been reported in the literature in individuals affected with COL17A1-related conditions. This variant is present in population databases (rs752126233, gnomAD 0.006%). This sequence change replaces arginine, which is basic and polar, with glycine, which is neutral and non-polar, at codon 1334 of the COL17A1 protein (p.Arg1334Gly).